The following is an entry in ClinVar:

NM_020812.4(DOCK6):c.5272G>A (p.Gly1758Ser)

Gene: DOCK6 (dedicator of cytokinesis 6; minus strand). Cytogenetic location: 19p13.2.
Variant type: single nucleotide variant.
Coding change: c.5272G>A on transcript NM_020812.4 (MANE Select); coding-DNA position 5272, G replaced by A.
Protein change: p.Gly1758Ser; replaces glycine 1758 with serine.
Molecular consequence: missense variant.
Genome position (GRCh38, 1-based): chr19:11,202,673, C>T on the plus strand (G>A on the coding strand, the complement: DOCK6 is on the minus strand). VCF-style: chr19-11202673-C-T. GRCh37 (hg19) VCF-style: chr19-11313349-C-T.
Other names: c.5377G>A, p.Gly1793Ser (NM_001367830.1); short protein forms G1793S, G1758S.
Identifiers: ClinVar variation 1902465 (VCV001902465.5), dbSNP rs750314919, ClinGen allele CA9206537.

ClinVar aggregate classification (germline): Uncertain significance. Review status: criteria provided, multiple submitters, no conflicts (2 of 4 stars). 2 submissions from 2 submitters: Uncertain significance (2). Last evaluated 2022-06-26.

Conditions:
Adams-Oliver syndrome 2 (AOS2). Identifiers: Orphanet 974, MedGen C3280182, MONDO:0013635, OMIM 614219.

Allele frequency attached by ClinVar (database versions not stated): ExAC 0.00006; gnomAD exomes 0.00001.
gnomAD v4.1: 11 of 1,613,814 alleles (0.00068%); highest among the groups gnomAD compares: Admixed American, 0.013%; no homozygotes.

Submissions (3):

Labcorp Genetics (formerly Invitae), Labcorp
Classification: Uncertain significance. Last evaluated: 2022-06-26. Review status: criteria provided, single submitter. Criteria: Invitae Variant Classification Sherloc (09022015). Collection method: clinical testing. Allele origin: germline.
Comment: In summary, the available evidence is currently insufficient to determine the role of this variant in disease. Therefore, it has been classified as a Variant of Uncertain Significance. Algorithms developed to predict the effect of missense changes on protein structure and function are either unavailable or do not agree on the potential impact of this missense change (SIFT: "Deleterious"; PolyPhen-2: "Probably Damaging"; Align-GVGD: "Class C0"). This variant has not been reported in the literature in individuals affected with DOCK6-related conditions. This variant is present in population databases (rs750314919, gnomAD 0.02%). This sequence change replaces glycine, which is neutral and non-polar, with serine, which is neutral and polar, at codon 1758 of the DOCK6 protein (p.Gly1758Ser).

Baylor Genetics
Classification: Uncertain significance for Adams-Oliver syndrome 2. Last evaluated: 2021-03-07. Review status: criteria provided, single submitter. Criteria: ACMG Guidelines, 2015. Collection method: clinical testing. Allele origin: unknown.

Dr. Peter K. Rogan Lab, Western University
No classification provided (evidence only). Condition: Melanoma. Review status: no classification provided. Collection method: in vitro. Allele origin: not applicable. Functional consequence: retained intron. Not counted in ClinVar's aggregate classification.